The following is an entry in ClinVar:

NM_133497.4(KCNV2):c.1344G>C (p.Trp448Cys)

Gene: KCNV2 (potassium voltage-gated channel modifier subfamily V member 2; plus strand). Cytogenetic location: 9p24.2.
Variant type: single nucleotide variant.
Coding change: c.1344G>C on transcript NM_133497.4 (MANE Select); coding-DNA position 1344, G replaced by C.
Protein change: p.Trp448Cys; replaces tryptophan 448 with cysteine.
Molecular consequence: missense variant.
Genome position (GRCh38, 1-based): chr9:2,719,083, G>C. VCF-style: chr9-2719083-G-C. GRCh37 (hg19) VCF-style: chr9-2719083-G-C.
Other names: c.1344G>C (NM_133497.3); short protein forms W448C.
Identifiers: ClinVar variation 1543685 (VCV001543685.10), dbSNP rs143382624, ClinGen allele CA4965862.

ClinVar aggregate classification (germline): Benign/Likely benign. Review status: criteria provided, multiple submitters, no conflicts (2 of 4 stars). 3 submissions from 3 submitters: Benign (1); Likely benign (2). Last evaluated 2026-01-05.

Conditions:
KCNV2-related disorder. Also called: KCNV2-related condition.

Allele frequency attached by ClinVar (database versions not stated): gnomAD 0.00006 and 0.00009; TOPMed 0.00020; gnomAD exomes 0.00036; ExAC 0.00037; 1000 Genomes Project 30x 0.00078; 1000 Genomes Project 0.00080.
gnomAD v4.1: 165 of 1,610,350 alleles (0.01%); highest among the groups gnomAD compares: East Asian, 0.34%; no homozygotes.

Submissions (3):

Labcorp Genetics (formerly Invitae), Labcorp
Classification: Likely benign. Last evaluated: 2026-01-05. Review status: criteria provided, single submitter. Criteria: Invitae Variant Classification Sherloc (09022015). Collection method: clinical testing. Allele origin: germline.

PreventionGenetics, part of Exact Sciences
Classification: Likely benign for KCNV2-related condition. Last evaluated: 2024-12-11. Review status: criteria provided, single submitter. Criteria: ACMG Guidelines, 2015. Collection method: clinical testing. Allele origin: germline.
Comment: This variant is classified as likely benign based on ACMG/AMP sequence variant interpretation guidelines (Richards et al. 2015 PMID: 25741868, with internal and published modifications).

Blueprint Genetics
Classification: Benign. Last evaluated: 2024-07-26. Review status: criteria provided, single submitter. Criteria: ACMG Guidelines, 2015. Collection method: clinical testing. Allele origin: germline.